The following is an entry in ClinVar:

NM_001375405.1(CEP120):c.1542T>C (p.Phe514=)

Gene: CEP120 (centrosomal protein 120; minus strand). Cytogenetic location: 5q23.2.
Variant type: single nucleotide variant.
Coding change: c.1542T>C on transcript NM_001375405.1 (MANE Select); coding-DNA position 1542, T replaced by C.
Protein change: p.Phe514=; no amino-acid change (phenylalanine 514 retained).
Molecular consequence: synonymous variant. On other transcripts: non-coding transcript variant (1).
Genome position (GRCh38, 1-based): chr5:123,386,556, A>G on the plus strand (T>C on the coding strand, the complement: CEP120 is on the minus strand). VCF-style: chr5-123386556-A-G. GRCh37 (hg19) VCF-style: chr5-122722250-A-G.
Other names: c.1464T>C, p.Phe488= (NM_001166226.2); c.1407T>C, p.Phe469= (NM_001375406.1); c.1542T>C, p.Phe514= (NM_001375407.1, NM_153223.4); c.969T>C, p.Phe323= (NM_001375408.1, NM_001375409.1).
Identifiers: ClinVar variation 3057918 (VCV003057918.4), dbSNP rs768346512, ClinGen allele CA3386931.

ClinVar aggregate classification (germline): Likely benign. Review status: criteria provided, single submitter (1 of 4 stars). 2 submissions from 2 submitters: Likely benign (1). 1 of the submissions does not count toward it. Last evaluated 2024-10-07.

Conditions:
CEP120-related disorder. Also called: CEP120-Related Disorders; CEP120-related condition.
Short-rib thoracic dysplasia 13 with or without polydactyly (SRTD13). Identifiers: Orphanet 474, MedGen C4225378, MONDO:0014577, OMIM 616300.

Allele frequency attached by ClinVar (database versions not stated): gnomAD 0.00001; gnomAD exomes 0.00001; TOPMed 0.00001; ExAC 0.00002.
gnomAD v4.1: 15 of 1,589,116 alleles (0.00094%); highest among the groups gnomAD compares: Non-Finnish European, 0.0013%; no homozygotes.

Submissions (2):

Labcorp Genetics (formerly Invitae), Labcorp
Classification: Likely benign for Short-rib thoracic dysplasia 13 with or without polydactyly. Last evaluated: 2024-10-07. Review status: criteria provided, single submitter. Criteria: Invitae Variant Classification Sherloc (09022015). Collection method: clinical testing. Allele origin: germline.

PreventionGenetics, part of Exact Sciences
Classification: Likely benign for CEP120-related condition. Last evaluated: 2019-04-24. Review status: no assertion criteria provided. Collection method: clinical testing. Allele origin: germline. Not counted in ClinVar's aggregate classification.
Comment: This variant is classified as likely benign based on ACMG/AMP sequence variant interpretation guidelines (Richards et al. 2015 PMID: 25741868, with internal and published modifications).